The following is an entry in ClinVar:

NM_001844.5(COL2A1):c.4265G>A (p.Arg1422Gln)

Gene: COL2A1 (collagen type II alpha 1 chain; minus strand). Cytogenetic location: 12q13.11.
Variant type: single nucleotide variant.
Coding change: c.4265G>A on transcript NM_001844.5 (MANE Select); coding-DNA position 4265, G replaced by A.
Protein change: p.Arg1422Gln; replaces arginine 1422 with glutamine.
Molecular consequence: missense variant.
Genome position (GRCh38, 1-based): chr12:47,974,141, C>T on the plus strand (G>A on the coding strand, the complement: COL2A1 is on the minus strand). VCF-style: chr12-47974141-C-T. GRCh37 (hg19) VCF-style: chr12-48367924-C-T.
Other names: c.4058G>A, p.Arg1353Gln (NM_033150.3); short protein forms R1422Q, R1353Q.
Identifiers: ClinVar variation 393179 (VCV000393179.9), dbSNP rs745349011, ClinGen allele CA6534510.
Genomic context (GRCh38, chr12:47,974,141, plus strand): 5'-CCACTCACCGTGCAGCCATCCTTCAGGGCAGTGTACGTGAACCTGCTATTGCCCTCTGCC[C>T]GGATCTCCACGTCATTGGAGCCCTGGATGAGCAGGGCCTTCTTGAGGTTGCCAGCTGCTT-3'
Protein context (NP_001835.3, residues 1412-1432): LIQGSNDVEI[Arg1422Gln]AEGNSRFTYT

ClinVar aggregate classification (germline): Conflicting classifications of pathogenicity. Review status: criteria provided, conflicting classifications (1 of 4 stars). 4 submissions from 4 submitters: Uncertain significance (3); Likely benign (1). Last evaluated 2025-11-22.

Conditions:
Inborn genetic diseases. Identifiers: MedGen C0950123, MeSH D030342.

Allele frequency attached by ClinVar (database versions not stated): TOPMed 0.00001; ExAC 0.00002; gnomAD exomes 0.00002.
gnomAD v4.1: 43 of 1,613,668 alleles (0.0027%); highest among the groups gnomAD compares: Non-Finnish European, 0.0033%; no homozygotes.

Submissions (4):

Labcorp Genetics (formerly Invitae), Labcorp
Classification: Likely benign. Last evaluated: 2025-11-22. Review status: criteria provided, single submitter. Criteria: Invitae Variant Classification Sherloc (09022015). Collection method: clinical testing. Allele origin: germline.

Blueprint Genetics
Classification: Uncertain significance. Last evaluated: 2021-09-10. Review status: criteria provided, single submitter. Criteria: ACMG Guidelines, 2015. Collection method: clinical testing. Allele origin: germline.

Ambry Genetics
Classification: Uncertain significance for Inborn genetic diseases. Last evaluated: 2021-07-14. Review status: criteria provided, single submitter. Criteria: Ambry Variant Classification Scheme 2023. Collection method: clinical testing. Allele origin: germline.

GeneDx
Classification: Uncertain significance. Last evaluated: 2017-02-07. Review status: criteria provided, single submitter. Criteria: GeneDx Variant Classification (06012015). Collection method: clinical testing. Allele origin: germline. Affected: yes.
Comment: The R1422Q variant in the COL2A1 gene has not been reported previously as a pathogenic variant, nor as a benign variant, to our knowledge. The R1422Q variant is not observed in large population cohorts (Lek et al., 2016; 1000 Genomes Consortium et al., 2015; Exome Variant Server). The R1422Q variant is a semi-conservative amino acid substitution, which may impact secondary protein structure as these residues differ in some properties. This substitution occurs at a position that is conserved across species. In silico analysis is inconsistent in its predictions as to whether or not the variant is damaging to the protein structure/function. We interpret R1422Q as a variant of uncertain significance.